The following is an entry in ClinVar:

ClinVar aggregate classification (germline): Uncertain significance (1 of 4 stars; one submission).

Conditions:
Kabuki syndrome. Also called: NIIKAWA-KUROKI SYNDROME; Kabuki make-up syndrome. Identifiers: Orphanet 2322, MedGen C0796004, MONDO:0016512.

Submission:

Labcorp Genetics (formerly Invitae), Labcorp
Classification: Uncertain significance for Kabuki syndrome. Last evaluated: 2022-12-23. Review status: criteria provided, single submitter. Criteria: Invitae Variant Classification Sherloc (09022015). Collection method: clinical testing. Allele origin: germline.
Comment: In summary, the available evidence is currently insufficient to determine the role of this variant in disease. Therefore, it has been classified as a Variant of Uncertain Significance. This variant has not been reported in the literature in individuals affected with KMT2D-related conditions. This variant is not present in population databases (gnomAD no frequency). This variant, c.2161_2175dup, results in the insertion of 5 amino acid(s) of the KMT2D protein (p.Glu721_Leu725dup), but otherwise preserves the integrity of the reading frame.

NM_003482.4(KMT2D):c.2161_2175dup (p.Leu725_Leu726insGluGluSerProLeu)

Gene: KMT2D (lysine methyltransferase 2D; minus strand). Cytogenetic location: 12q13.12.
Variant type: Duplication.
Coding change: c.2161_2175dup on transcript NM_003482.4 (MANE Select); coding-DNA positions 2161 to 2175, 15 bases duplicated (GAGGAGTCACCCCTG).
Protein change: p.Leu725_Leu726insGluGluSerProLeu.
Molecular consequence: inframe insertion.
Genome position (GRCh38, 1-based): chr12:49,051,508-49,051,522, CAGGGGTGACTCCTC duplicated on the plus strand (GAGGAGTCACCCCTG on the coding strand, the reverse complement: KMT2D is on the minus strand); duplicating any 15 consecutive bases within chr12:49,051,508-49,051,525 gives the same sequence; the c. name uses the placement nearest the transcript's 3' end. VCF-style (leftmost placement, unchanged base first): chr12-49051507-A-ACAGGGGTGACTCCTC. GRCh37 (hg19) VCF-style: chr12-49445290-A-ACAGGGGTGACTCCTC.
Identifiers: ClinVar variation 2848241 (VCV002848241.3), dbSNP rs1938016082, ClinGen allele CA947430905.